The following is an entry in ClinVar:

ClinVar aggregate classification (germline): Uncertain significance (1 of 4 stars; one submission).

Conditions:
Cardiovascular phenotype. Identifiers: MedGen CN230736.

Allele frequency attached by ClinVar (database versions not stated): gnomAD exomes below 0.00001.
gnomAD v4.1: 1 of 1,614,132 alleles (0.000062%); highest among the groups gnomAD compares: Non-Finnish European, 0.000085%; no homozygotes.

Submission:

Ambry Genetics
Classification: Uncertain significance for Cardiovascular phenotype. Last evaluated: 2021-10-12. Review status: criteria provided, single submitter. Criteria: Ambry Variant Classification Scheme 2023. Collection method: clinical testing. Allele origin: germline.
Comment: The p.V14D variant (also known as c.41T>A), located in coding exon 1 of the KCNE2 gene, results from a T to A substitution at nucleotide position 41. The valine at codon 14 is replaced by aspartic acid, an amino acid with highly dissimilar properties. This amino acid position is conserved. In addition, the in silico prediction for this alteration is inconclusive. Since supporting evidence is limited at this time, the clinical significance of this alteration remains unclear.

NM_172201.2(KCNE2):c.41T>A (p.Val14Asp)

Genes: KCNE2 (potassium voltage-gated channel subfamily E regulatory subunit 2; plus strand), LOC105372791 (uncharacterized LOC105372791; minus strand). Cytogenetic location: 21q22.11.
Variant type: single nucleotide variant.
Coding change: c.41T>A on transcript NM_172201.2 (MANE Select); coding-DNA position 41, T replaced by A.
Protein change: p.Val14Asp; replaces valine 14 with aspartic acid.
Molecular consequence: missense variant.
Genome position (GRCh38, 1-based): chr21:34,370,519, T>A. VCF-style: chr21-34370519-T-A. GRCh37 (hg19) VCF-style: chr21-35742818-T-A.
Other names: short protein forms V14D.
Identifiers: ClinVar variation 1738649 (VCV001738649.2), dbSNP rs2516740698, ClinGen allele CA410196150.